The following is an entry in ClinVar:

NM_138711.6(PPARG):c.57T>G (p.Asp19Glu)

Gene: PPARG (peroxisome proliferator activated receptor gamma; plus strand). Cytogenetic location: 3p25.2.
Variant type: single nucleotide variant.
Coding change: c.57T>G on transcript NM_138711.6 (MANE Select); coding-DNA position 57, T replaced by G.
Protein change: p.Asp19Glu; replaces aspartic acid 19 with glutamic acid.
Molecular consequence: missense variant. On other transcripts: 5 prime UTR variant (1).
Genome position (GRCh38, 1-based): chr3:12,379,768, T>G. VCF-style: chr3-12379768-T-G. GRCh37 (hg19) VCF-style: chr3-12421267-T-G.
Other names: c.147T>G (NM_015869.4); c.57T>G, p.Asp19Glu (NM_138712.5, NM_001374263.2, NM_001374264.2 and 6 more transcripts); c.147T>G, p.Asp49Glu (NM_001374265.1, NM_015869.5, NM_001354668.2); c.63T>G, p.Asp21Glu (NM_001374266.1, NM_001354670.2); c.-371T>G (NM_001354669.2); short protein forms D19E, D21E, D49E.
Identifiers: ClinVar variation 3004774 (VCV003004774.4), dbSNP rs138038967, ClinGen allele CA2258090.

ClinVar aggregate classification (germline): Uncertain significance. Review status: criteria provided, multiple submitters, no conflicts (2 of 4 stars). 2 submissions from 2 submitters: Uncertain significance (2). Last evaluated 2026-02-27.

Conditions:
PPARG-related disorder. Also called: PPARG-related disorders; PPARG-related condition.

Allele frequency attached by ClinVar (database versions not stated): ExAC 0.00002; ESP Exome Variant Server 0.00015.
gnomAD v4.1: 8 of 1,613,912 alleles (0.0005%); highest among the groups gnomAD compares: African/African-American, 0.011%; no homozygotes.

Submissions (2):

PreventionGenetics, part of Exact Sciences
Classification: Uncertain significance for PPARG-related condition. Last evaluated: 2026-02-27. Review status: criteria provided, single submitter. Criteria: ACMG Guidelines, 2015. Collection method: clinical testing. Allele origin: germline.
Comment: The PPARG c.147T>G variant is predicted to result in the amino acid substitution p.Asp49Glu. This variant has been reported in both case and control Type 2 Diabetes cohorts (Table 1, Majithia et al. 2014. PubMed ID: 25157153). This variant has also been reported in a study on hypertriglyceridemia (Table S2. Deshotels et al. 2022. PubMed ID: 36325899). This variant is reported in 0.020% of alleles in individuals of African descent in gnomAD. At this time, the clinical significance of this variant is uncertain due to the absence of conclusive functional and genetic evidence.

Labcorp Genetics (formerly Invitae), Labcorp
Classification: Uncertain significance. Last evaluated: 2023-10-25. Review status: criteria provided, single submitter. Criteria: Invitae Variant Classification Sherloc (09022015). Collection method: clinical testing. Allele origin: germline.
Comment: This sequence change replaces aspartic acid, which is acidic and polar, with glutamic acid, which is acidic and polar, at codon 49 of the PPARG protein (p.Asp49Glu). This variant is present in population databases (rs138038967, gnomAD 0.02%). This missense change has been observed in individual(s) with diabetes (PMID: 25157153). An algorithm developed to predict the effect of missense changes on protein structure and function (PolyPhen-2) suggests that this variant is likely to be tolerated. Experimental studies have shown that this missense change affects PPARG function (PMID: 25157153). In summary, the available evidence is currently insufficient to determine the role of this variant in disease. Therefore, it has been classified as a Variant of Uncertain Significance.

Literature cited by the submitters: PubMed 25157153 (cited by Labcorp Genetics (formerly Invitae), Labcorp).